The following is an entry in ClinVar:

NM_002444.3(MSN):c.1539G>T (p.Glu513Asp)

Gene: MSN (moesin; plus strand). Cytogenetic location: Xq12.
Variant type: single nucleotide variant.
Coding change: c.1539G>T on transcript NM_002444.3 (MANE Select); coding-DNA position 1539, G replaced by T.
Protein change: p.Glu513Asp; replaces glutamic acid 513 with aspartic acid.
Molecular consequence: missense variant.
Genome position (GRCh38, 1-based): chrX:65,739,164, G>T. VCF-style: chrX-65739164-G-T. GRCh37 (hg19) VCF-style: chrX-64959026-G-T.
Other names: short protein forms E513D.
Identifiers: ClinVar variation 2056364 (VCV002056364.4), dbSNP rs760128200, ClinGen allele CA413414297.

ClinVar aggregate classification (germline): Uncertain significance (1 of 4 stars; one submission).

Submission:

Labcorp Genetics (formerly Invitae), Labcorp
Classification: Uncertain significance. Last evaluated: 2021-12-24. Review status: criteria provided, single submitter. Criteria: Invitae Variant Classification Sherloc (09022015). Collection method: clinical testing. Allele origin: germline.
Comment: In summary, the available evidence is currently insufficient to determine the role of this variant in disease. Therefore, it has been classified as a Variant of Uncertain Significance. Algorithms developed to predict the effect of missense changes on protein structure and function are either unavailable or do not agree on the potential impact of this missense change (SIFT: "Deleterious"; PolyPhen-2: "Possibly Damaging"; Align-GVGD: "Class C0"). This variant has not been reported in the literature in individuals affected with MSN-related conditions. This variant is not present in population databases (gnomAD no frequency). This sequence change replaces glutamic acid, which is acidic and polar, with aspartic acid, which is acidic and polar, at codon 513 of the MSN protein (p.Glu513Asp).